The following is an entry in ClinVar:

ClinVar aggregate classification (germline): Uncertain significance (1 of 4 stars; one submission).

Conditions:
Peutz-Jeghers syndrome (PJS). Also called: Peutz-Jeghers polyposis; Periorificial lentiginosis syndrome; POLYPOSIS, HAMARTOMATOUS INTESTINAL; POLYPS-AND-SPOTS SYNDROME. Identifiers: Orphanet 2869, MedGen C0031269, MeSH D010580, MONDO:0008280, OMIM 175200.

Submission:

Labcorp Genetics (formerly Invitae), Labcorp
Classification: Uncertain significance for Peutz-Jeghers syndrome. Last evaluated: 2023-08-06. Review status: criteria provided, single submitter. Criteria: Invitae Variant Classification Sherloc (09022015). Collection method: clinical testing. Allele origin: germline.
Comment: This sequence change falls in intron 2 of the STK11 gene. It does not directly change the encoded amino acid sequence of the STK11 protein. This variant is not present in population databases (gnomAD no frequency). This variant has not been reported in the literature in individuals affected with STK11-related conditions. Algorithms developed to predict the effect of sequence changes on RNA splicing suggest that this variant may disrupt the consensus splice site. In summary, the available evidence is currently insufficient to determine the role of this variant in disease. Therefore, it has been classified as a Variant of Uncertain Significance.

NM_000455.5(STK11):c.375-10A>T

Gene: STK11 (serine/threonine kinase 11; plus strand). Cytogenetic location: 19p13.3.
Variant type: single nucleotide variant.
Coding change: c.375-10A>T on transcript NM_000455.5 (MANE Select); 10 bases into the intron before coding-DNA position 375, A replaced by T.
Molecular consequence: intron variant.
Genome position (GRCh38, 1-based): chr19:1,219,314, A>T. VCF-style: chr19-1219314-A-T. GRCh37 (hg19) VCF-style: chr19-1219313-A-T.
Other names: c.375-10A>T (NM_001407255.1).
Identifiers: ClinVar variation 2750596 (VCV002750596.3), dbSNP rs876661140, ClinGen allele CA2582592074.